The following is an entry in ClinVar:

ClinVar aggregate classification (germline): Pathogenic (1 of 4 stars; one submission).

Conditions:
Tumor predisposition syndrome 3 (TPDS3). Also called: Melanoma, cutaneous malignant, susceptibility to, 10; Glioma susceptibility 9; LONG TELOMERE SYNDROME, POT1-RELATED; POT1 Tumor Predisposition. Identifiers: Orphanet 618, MedGen C4014476, MONDO:0014368, OMIM 615848.

Allele frequency attached by ClinVar (database versions not stated): gnomAD exomes below 0.00001.

Submission:

Labcorp Genetics (formerly Invitae), Labcorp
Classification: Pathogenic for Tumor predisposition syndrome 3. Last evaluated: 2025-11-09. Review status: criteria provided, single submitter. Criteria: Invitae Variant Classification Sherloc (09022015). Collection method: clinical testing. Allele origin: germline.
Comment: This sequence change creates a premature translational stop signal (p.Tyr271*) in the POT1 gene. It is expected to result in an absent or disrupted protein product. Loss-of-function variants in POT1 are known to be pathogenic (PMID: 32155570). This variant is not present in population databases (gnomAD no frequency). This variant has not been reported in the literature in individuals affected with POT1-related conditions. ClinVar contains an entry for this variant (Variation ID: 2984353). Algorithms developed to predict the effect of sequence changes on RNA splicing suggest that this variant may disrupt the consensus splice site. For these reasons, this variant has been classified as Pathogenic.

Literature cited by the submitters: PubMed 32155570.

NM_015450.3(POT1):c.812dup (p.Tyr271Ter)

Gene: POT1 (protection of telomeres 1; minus strand). Cytogenetic location: 7q31.33.
Variant type: Duplication.
Coding change: c.812dup on transcript NM_015450.3 (MANE Select); coding-DNA position 812, one base duplicated (A; older notation c.812dupA).
Protein change: p.Tyr271Ter; replaces tyrosine 271 with a stop codon.
Molecular consequence: nonsense. On other transcripts: non-coding transcript variant (3).
Genome position (GRCh38, 1-based): chr7:124,853,029, T duplicated on the plus strand (A on the coding strand, the reverse complement: POT1 is on the minus strand). VCF-style (leftmost placement, unchanged base first): chr7-124853028-G-GT. GRCh37 (hg19) VCF-style: chr7-124493082-G-GT.
Other names: c.419dup, p.Tyr140Ter (NM_001042594.2); short protein forms Y140*, Y271*.
Identifiers: ClinVar variation 2984353 (VCV002984353.3), dbSNP rs2485441592, ClinGen allele CA2684721852.